The following is an entry in ClinVar:

ClinVar aggregate classification (germline): Uncertain significance (1 of 4 stars; one submission).

Conditions:
Lymphatic malformation 6 (LMPHM6). Also called: GENERALIZED LYMPHATIC DYSPLASIA OF FOTIOU; Lymphedema, hereditary, III; PIEZO1-related generalized lymphatic dysplasia with non-immune hydrops fetalis. Identifiers: Orphanet 568062, MedGen C4225184, MONDO:0014797, OMIM 616843.

gnomAD v4.1: 2 of 1,535,684 alleles (0.00013%); highest among the groups gnomAD compares: Admixed American, 0.002%; no homozygotes.

Submission:

Clinical Genomics Laboratory, Washington University in St. Louis
Classification: Uncertain significance for Lymphatic malformation 6. Last evaluated: 2024-11-01. Review status: criteria provided, single submitter. Criteria: ACMG Guidelines, 2015. Collection method: clinical testing. Allele origin: germline.
Comment: A PIEZO1 c.430A>G (p.Arg144Gly) variant was identified at a near heterozygous allelic fraction of 46.86%, a frequency which may be consistent with it being of germline origin. This variant, to our knowledge, has not been reported in the medical literature. The PIEZO1 c.430A>G (p.Arg144Gly) variant is only observed on 2/1,535,684 alleles in the general population (gnomAD v.4.1.0), indicating it is not a common variant. Computational predictors suggest that the variant does not impact PIEZO1 function. Due to limited information, and based on ACMG/AMP guidelines for variant interpretation (Richard S et al., PMID: 25741868), the clinical significance of this variant is uncertain at this time.

NM_001142864.4(PIEZO1):c.430A>G (p.Arg144Gly)

Gene: PIEZO1 (piezo type mechanosensitive ion channel component 1 (Er blood group); minus strand). Cytogenetic location: 16q24.3.
Variant type: single nucleotide variant.
Coding change: c.430A>G on transcript NM_001142864.4 (MANE Select); coding-DNA position 430, A replaced by G.
Protein change: p.Arg144Gly; replaces arginine 144 with glycine.
Molecular consequence: missense variant.
Genome position (GRCh38, 1-based): chr16:88,741,513, T>C on the plus strand (A>G on the coding strand, the complement: PIEZO1 is on the minus strand). VCF-style: chr16-88741513-T-C. GRCh37 (hg19) VCF-style: chr16-88807921-T-C.
Other names: short protein forms R144G.
Identifiers: ClinVar variation 3600473 (VCV003600473.1).